The following is an entry in ClinVar:

ClinVar aggregate classification (germline): Uncertain significance. Review status: criteria provided, multiple submitters, no conflicts (2 of 4 stars). 2 submissions from 2 submitters: Uncertain significance (2). Last evaluated 2025-09-16.

Conditions:
Classic or attenuated familial adenomatous polyposis. Identifiers: MedGen CN372698, MONDO:0021057.
Familial adenomatous polyposis 1 (FAP1). Also called: FAMILIAL ADENOMATOUS POLYPOSIS 1, ATTENUATED; POLYPOSIS, ADENOMATOUS INTESTINAL. Identifiers: MedGen C2713442, MONDO:0021056, OMIM 175100. Disease mechanism: loss of function.

Allele frequency attached by ClinVar (database versions not stated): gnomAD exomes below 0.00001.
gnomAD v4.1: 2 of 1,614,062 alleles (0.00012%); highest among the groups gnomAD compares: African/African-American, 0.0027%; no homozygotes.

Submissions (2):

Labcorp Genetics (formerly Invitae), Labcorp
Classification: Uncertain significance for Familial adenomatous polyposis 1. Last evaluated: 2025-09-16. Review status: criteria provided, single submitter. Criteria: Invitae Variant Classification Sherloc (09022015). Collection method: clinical testing. Allele origin: germline.
Comment: This sequence change replaces glycine, which is neutral and non-polar, with valine, which is neutral and non-polar, at codon 2709 of the APC protein (p.Gly2709Val). This variant is not present in population databases (gnomAD no frequency). This variant has not been reported in the literature in individuals affected with APC-related conditions. ClinVar contains an entry for this variant (Variation ID: 2819270). Invitae Evidence Modeling of protein sequence and biophysical properties (such as structural, functional, and spatial information, amino acid conservation, physicochemical variation, residue mobility, and thermodynamic stability) indicates that this missense variant is not expected to disrupt APC protein function with a negative predictive value of 95%. In summary, the available evidence is currently insufficient to determine the role of this variant in disease. Therefore, it has been classified as a Variant of Uncertain Significance.

All of Us Research Program, National Institutes of Health
Classification: Uncertain significance for Classic or attenuated familial adenomatous polyposis. Last evaluated: 2023-11-30. Review status: criteria provided, single submitter. Criteria: ACMG Guidelines, 2015. Collection method: clinical testing. Allele origin: germline. Inheritance: Autosomal dominant inheritance. Observed: 1 variant allele, 1 heterozygote.
Comment: This study involves interpretation of variants in research participants for the purpose of population health screening. Participant phenotype was not available at the time of variant classification. Additional details can be found in publication PMID: 35346344, PMCID: PMC8962531

NM_000038.6(APC):c.8126G>T (p.Gly2709Val)

Gene: APC (APC regulator of Wnt signaling pathway; plus strand). Cytogenetic location: 5q22.2.
Variant type: single nucleotide variant.
Coding change: c.8126G>T on transcript NM_000038.6 (MANE Select); coding-DNA position 8126, G replaced by T.
Protein change: p.Gly2709Val; replaces glycine 2709 with valine.
Molecular consequence: missense variant. On other transcripts: non-coding transcript variant (2).
Genome position (GRCh38, 1-based): chr5:112,843,720, G>T. VCF-style: chr5-112843720-G-T. GRCh37 (hg19) VCF-style: chr5-112179417-G-T.
Other names: c.8126G>T, p.Gly2709Val (NM_001127510.3, NM_001354895.2, NM_001407450.1); c.8072G>T, p.Gly2691Val (NM_001127511.3); c.8180G>T, p.Gly2727Val (NM_001354896.2, NM_001407447.1, NM_001407448.1 and 1 more transcripts); c.8156G>T, p.Gly2719Val (NM_001354897.2); c.8051G>T, p.Gly2684Val (NM_001354898.2); c.8042G>T, p.Gly2681Val (NM_001354899.2); c.8003G>T, p.Gly2668Val (NM_001354900.2); c.7949G>T, p.Gly2650Val (NM_001354901.2, NM_001407453.1); and 11 more; short protein forms G2549V, G2580V, G2608V, G2618V, G2626V, G2684V, G2699V, G2702V.
Identifiers: ClinVar variation 2819270 (VCV002819270.4), dbSNP rs1766652865, ClinGen allele CA16038985.